The following is an entry in ClinVar:

NM_177438.3(DICER1):c.4915T>C (p.Tyr1639His)

Gene: DICER1 (dicer 1, ribonuclease III; minus strand). Cytogenetic location: 14q32.13.
Variant type: single nucleotide variant.
Coding change: c.4915T>C on transcript NM_177438.3 (MANE Select); coding-DNA position 4915, T replaced by C.
Protein change: p.Tyr1639His; replaces tyrosine 1639 with histidine.
Molecular consequence: missense variant. On other transcripts: non-coding transcript variant (6).
Genome position (GRCh38, 1-based): chr14:95,096,005, A>G on the plus strand (T>C on the coding strand, the complement: DICER1 is on the minus strand). VCF-style: chr14-95096005-A-G. GRCh37 (hg19) VCF-style: chr14-95562342-A-G.
Other names: c.4915T>C, p.Tyr1639His (NM_001195573.1, NM_001271282.3, NM_001291628.2 and 12 more transcripts); c.4633T>C, p.Tyr1545His (NM_001395686.1); c.4510T>C, p.Tyr1504His (NM_001395687.1, NM_001395688.1, NM_001395689.1 and 2 more transcripts); c.4348T>C, p.Tyr1450His (NM_001395691.1); c.3232T>C, p.Tyr1078His (NM_001395697.1); short protein forms Y1450H, Y1545H, Y1639H, Y1078H, Y1504H.
Identifiers: ClinVar variation 4637598 (VCV004637598.1).

ClinVar aggregate classification (germline): Uncertain significance (1 of 4 stars; one submission).

Conditions:
Hereditary cancer-predisposing syndrome. Also called: Neoplastic Syndromes, Hereditary; Tumor predisposition; Hereditary Cancer Syndrome; Hereditary neoplastic syndrome. Identifiers: Orphanet 140162, MedGen C0027672, MeSH D009386, MONDO:0015356.

Submission:

Ambry Genetics
Classification: Uncertain significance for Hereditary cancer-predisposing syndrome. Last evaluated: 2025-11-13. Review status: criteria provided, single submitter. Criteria: Ambry Variant Classification Scheme 2023. Collection method: clinical testing. Allele origin: germline.
Comment: The p.Y1639H variant (also known as c.4915T>C), located in coding exon 22 of the DICER1 gene, results from a T to C substitution at nucleotide position 4915. The tyrosine at codon 1639 is replaced by histidine, an amino acid with similar properties. This amino acid position is conserved. In addition, this alteration is predicted to be deleterious by in silico analysis. Based on the available evidence, the clinical significance of this variant remains unclear.